The following is an entry in ClinVar:

ClinVar aggregate classification (germline): Uncertain significance (1 of 4 stars; one submission).

Conditions:
Growth hormone insensitivity with immune dysregulation 1, autosomal recessive. Also called: GROWTH HORMONE INSENSITIVITY SYNDROME WITH IMMUNE DYSREGULATION 1, AUTOSOMAL RECESSIVE; GROWTH HORMONE INSENSITIVITY DUE TO POSTRECEPTOR DEFECT; LARON SYNDROME DUE TO POSTRECEPTOR DEFECT; Laron syndrome with immunodeficiency. Identifiers: Orphanet 220465, MedGen C5435698, MONDO:0100211, OMIM 245590.

Allele frequency attached by ClinVar (database versions not stated): gnomAD 0.00001; gnomAD exomes 0.00001; ExAC 0.00002; TOPMed 0.00005.

Submission:

Labcorp Genetics (formerly Invitae), Labcorp
Classification: Uncertain significance for Growth hormone insensitivity with immune dysregulation 1, autosomal recessive. Last evaluated: 2024-07-15. Review status: criteria provided, single submitter. Criteria: Invitae Variant Classification Sherloc (09022015). Collection method: clinical testing. Allele origin: germline.
Comment: This sequence change replaces threonine, which is neutral and polar, with methionine, which is neutral and non-polar, at codon 97 of the STAT5B protein (p.Thr97Met). This variant is present in population databases (rs766427008, gnomAD 0.01%). This variant has not been reported in the literature in individuals affected with STAT5B-related conditions. ClinVar contains an entry for this variant (Variation ID: 2073721). Advanced modeling of protein sequence and biophysical properties (such as structural, functional, and spatial information, amino acid conservation, physicochemical variation, residue mobility, and thermodynamic stability) performed at Invitae indicates that this missense variant is not expected to disrupt STAT5B protein function with a negative predictive value of 80%. In summary, the available evidence is currently insufficient to determine the role of this variant in disease. Therefore, it has been classified as a Variant of Uncertain Significance.

NM_012448.4(STAT5B):c.290C>T (p.Thr97Met)

Gene: STAT5B (signal transducer and activator of transcription 5B; minus strand). Cytogenetic location: 17q21.2.
Variant type: single nucleotide variant.
Coding change: c.290C>T on transcript NM_012448.4 (MANE Select); coding-DNA position 290, C replaced by T.
Protein change: p.Thr97Met; replaces threonine 97 with methionine.
Molecular consequence: missense variant.
Genome position (GRCh38, 1-based): chr17:42,224,864, G>A on the plus strand (C>T on the coding strand, the complement: STAT5B is on the minus strand). VCF-style: chr17-42224864-G-A. GRCh37 (hg19) VCF-style: chr17-40376882-G-A.
Other names: short protein forms T97M.
Identifiers: ClinVar variation 2073721 (VCV002073721.4), dbSNP rs766427008, ClinGen allele CA8574328.